The following is an entry in ClinVar:

NM_000179.3(MSH6):c.3764A>T (p.Asp1255Val)

Gene: MSH6 (mutS homolog 6; plus strand). Cytogenetic location: 2p16.3.
Variant type: single nucleotide variant.
Coding change: c.3764A>T on transcript NM_000179.3 (MANE Select); coding-DNA position 3764, A replaced by T.
Protein change: p.Asp1255Val; replaces aspartic acid 1255 with valine.
Molecular consequence: missense variant.
Genome position (GRCh38, 1-based): chr2:47,806,321, A>T. VCF-style: chr2-47806321-A-T. GRCh37 (hg19) VCF-style: chr2-48033460-A-T.
Other names: c.3374A>T, p.Asp1125Val (NM_001281492.2); c.2858A>T, p.Asp953Val (NM_001281493.2, NM_001281494.2, NM_001406823.1 and 6 more transcripts); c.3860A>T, p.Asp1287Val (NM_001406795.1, NM_001406802.1); c.3764A>T, p.Asp1255Val (NM_001406796.1, NM_001406800.1, NM_001406808.1 and 1 more transcripts); c.3467A>T, p.Asp1156Val (NM_001406797.1, NM_001406801.1, NM_001406805.1 and 10 more transcripts); c.3590A>T, p.Asp1197Val (NM_001406798.1); c.3239A>T, p.Asp1080Val (NM_001406799.1, NM_001406806.1, NM_001406807.1); c.2900A>T, p.Asp967Val (NM_001406803.1); and 7 more; short protein forms D1080V, D1125V, D1156V, D1197V, D1199V, D1229V, D1255V, D1257V.
Identifiers: ClinVar variation 1803163 (VCV001803163.6), dbSNP rs1670061939, ClinGen allele CA346761112.
Genomic context (GRCh38, chr2:47,806,321, plus strand): 5'-TTGCTGAGACTATAAAATGTCGTACATTATTTTCAACTCACTACCATTCATTAGTAGAAG[A>T]TTATTCTCAAAATGTTGCTGTGCGCCTAGGACATATGGTATGTGCAAATTGTTTTTTTCC-3'
Protein context (NP_000170.1, residues 1245-1265): FSTHYHSLVE[Asp1255Val]YSQNVAVRLG

ClinVar aggregate classification (germline): Uncertain significance. Review status: criteria provided, multiple submitters, no conflicts (2 of 4 stars). 3 submissions from 3 submitters: Uncertain significance (3). Last evaluated 2026-07-22.

Conditions:
Hereditary cancer-predisposing syndrome. Also called: Hereditary Cancer Syndrome; Hereditary neoplastic syndrome; Neoplastic Syndromes, Hereditary; Tumor predisposition. Identifiers: Orphanet 140162, MedGen C0027672, MeSH D009386, MONDO:0015356.
Hereditary nonpolyposis colorectal neoplasms. Identifiers: MedGen C0009405, MeSH D003123.
Lynch syndrome 5 (LYNCH5). Also called: Hereditary non-polyposis colorectal cancer, type 5; Colorectal cancer, hereditary nonpolyposis, type 5. Identifiers: Orphanet 144, MedGen C1833477, MONDO:0013710, OMIM 614350. Disease mechanism: loss of function.

Allele frequency attached by ClinVar (database versions not stated): TOPMed below 0.00001; gnomAD exomes below 0.00001.

Submissions (3):

Ambry Genetics
Classification: Uncertain significance for Hereditary cancer-predisposing syndrome. Last evaluated: 2026-07-22. Review status: criteria provided, single submitter. Criteria: Ambry Variant Classification Scheme 2023. Collection method: clinical testing. Allele origin: germline.
Comment: The p.D1255V variant (also known as c.3764A>T), located in coding exon 8 of the MSH6 gene, results from an A to T substitution at nucleotide position 3764. The aspartic acid at codon 1255 is replaced by valine, an amino acid with highly dissimilar properties. This amino acid position is conserved. In addition, this alteration is predicted to be deleterious by in silico analysis. Based on the available evidence, the clinical significance of this variant remains unclear.

Labcorp Genetics (formerly Invitae), Labcorp
Classification: Uncertain significance for Hereditary nonpolyposis colorectal neoplasms. Last evaluated: 2025-03-07. Review status: criteria provided, single submitter. Criteria: Invitae Variant Classification Sherloc (09022015). Collection method: clinical testing. Allele origin: germline.
Comment: This sequence change replaces aspartic acid, which is acidic and polar, with valine, which is neutral and non-polar, at codon 1255 of the MSH6 protein (p.Asp1255Val). This variant is not present in population databases (gnomAD no frequency). This variant has not been reported in the literature in individuals affected with MSH6-related conditions. ClinVar contains an entry for this variant (Variation ID: 1803163). Invitae Evidence Modeling of protein sequence and biophysical properties (such as structural, functional, and spatial information, amino acid conservation, physicochemical variation, residue mobility, and thermodynamic stability) indicates that this missense variant is not expected to disrupt MSH6 protein function with a negative predictive value of 95%. In summary, the available evidence is currently insufficient to determine the role of this variant in disease. Therefore, it has been classified as a Variant of Uncertain Significance.

Genetics and Molecular Pathology, SA Pathology
Classification: Uncertain significance for Lynch syndrome 5. Last evaluated: 2019-07-24. Review status: criteria provided, single submitter. Criteria: ACMG Guidelines, 2015. Collection method: clinical testing. Allele origin: germline. Inheritance: Autosomal dominant inheritance. Affected: yes.